The following is an entry in ClinVar:

NM_001385125.1(OPN1SW):c.540del (p.Cys181fs)

Gene: OPN1SW (opsin 1, short wave sensitive; minus strand). Cytogenetic location: 7q32.1.
Variant type: Deletion.
Coding change: c.540del on transcript NM_001385125.1 (MANE Select); coding-DNA position 540, one base deleted (C; older notation c.540delC).
Protein change: p.Cys181fs; shifts the reading frame from cysteine 181.
Molecular consequence: frameshift variant.
Genome position (GRCh38, 1-based): chr7:128,774,636, G deleted on the plus strand (C on the coding strand, the reverse complement: OPN1SW is on the minus strand); the first of 2 consecutive G bases (chr7:128,774,636-128,774,637); deleting either gives the same sequence. VCF-style (leftmost placement, unchanged base first): chr7-128774635-AG-A. GRCh37 (hg19) VCF-style: chr7-128414689-AG-A.
Other names: short protein forms C181fs.
Identifiers: ClinVar variation 2823595 (VCV002823595.3), dbSNP rs2536291256, ClinGen allele CA2739279275.

ClinVar aggregate classification (germline): Uncertain significance (1 of 4 stars; one submission).

Submission:

Labcorp Genetics (formerly Invitae), Labcorp
Classification: Uncertain significance. Last evaluated: 2023-10-23. Review status: criteria provided, single submitter. Criteria: Invitae Variant Classification Sherloc (09022015). Collection method: clinical testing. Allele origin: germline.
Comment: This sequence change creates a premature translational stop signal (p.Cys184Valfs*41) in the OPN1SW gene. It is expected to result in an absent or disrupted protein product. However, the current clinical and genetic evidence is not sufficient to establish whether loss-of-function variants in OPN1SW cause disease. This variant is not present in population databases (gnomAD no frequency). This variant has not been reported in the literature in individuals affected with OPN1SW-related conditions. In summary, the available evidence is currently insufficient to determine the role of this variant in disease. Therefore, it has been classified as a Variant of Uncertain Significance.